The following is an entry in ClinVar:

ClinVar aggregate classification (germline): Pathogenic/Likely pathogenic. Review status: criteria provided, multiple submitters, no conflicts (2 of 4 stars). 2 submissions from 2 submitters: Pathogenic (1); Likely pathogenic (1). Last evaluated 2023-08-18.

Conditions:
Fanconi anemia (FA). Also called: Fanconi's anemia. Identifiers: Orphanet 84, MedGen C0015625, MeSH D005199, MONDO:0019391.
Fanconi anemia complementation group P. Also called: SLX4-Related Fanconi Anemia. Identifiers: Orphanet 84, MedGen C3469542, MONDO:0013499, OMIM 613951.

Allele frequency attached by ClinVar (database versions not stated): gnomAD exomes below 0.00001.
gnomAD v4.1: 1 of 1,614,152 alleles (0.000062%); highest among the groups gnomAD compares: South Asian, 0.0011%; no homozygotes.

Submissions (2):

Labcorp Genetics (formerly Invitae), Labcorp
Classification: Pathogenic for Fanconi anemia. Last evaluated: 2023-08-18. Review status: criteria provided, single submitter. Criteria: Invitae Variant Classification Sherloc (09022015). Collection method: clinical testing. Allele origin: germline.
Comment: For these reasons, this variant has been classified as Pathogenic. This variant has not been reported in the literature in individuals affected with SLX4-related conditions. This variant is not present in population databases (gnomAD no frequency). This sequence change creates a premature translational stop signal (p.Glu36*) in the SLX4 gene. It is expected to result in an absent or disrupted protein product. Loss-of-function variants in SLX4 are known to be pathogenic (PMID: 21240277).

Neuberg Centre For Genomic Medicine, NCGM
Classification: Likely pathogenic for Fanconi anemia complementation group P. Last evaluated: 2023-02-14. Review status: criteria provided, single submitter. Criteria: ACMG Guidelines, 2015. Collection method: clinical testing. Allele origin: germline. Inheritance: Autosomal recessive inheritance. Affected: yes.

Literature cited by the submitters: PubMed 21240277 (cited by Labcorp Genetics (formerly Invitae), Labcorp).

NM_032444.4(SLX4):c.106G>T (p.Glu36Ter)

Gene: SLX4 (SLX4 structure-specific endonuclease subunit; minus strand). Cytogenetic location: 16p13.3.
Variant type: single nucleotide variant.
Coding change: c.106G>T on transcript NM_032444.4 (MANE Select); coding-DNA position 106, G replaced by T.
Protein change: p.Glu36Ter; replaces glutamic acid 36 with a stop codon.
Molecular consequence: nonsense.
Genome position (GRCh38, 1-based): chr16:3,608,859, C>A on the plus strand (G>T on the coding strand, the complement: SLX4 is on the minus strand). VCF-style: chr16-3608859-C-A. GRCh37 (hg19) VCF-style: chr16-3658860-C-A.
Other names: short protein forms E36*.
Identifiers: ClinVar variation 2664892 (VCV002664892.4), dbSNP rs2151139871, ClinGen allele CA394547951.